The following is an entry in ClinVar:

NM_033004.4(NLRP1):c.2633C>T (p.Thr878Met)

Gene: NLRP1 (NLR family pyrin domain containing 1; minus strand). Cytogenetic location: 17p13.2.
Variant type: single nucleotide variant.
Coding change: c.2633C>T on transcript NM_033004.4 (MANE Select); coding-DNA position 2633, C replaced by T.
Protein change: p.Thr878Met; replaces threonine 878 with methionine.
Molecular consequence: missense variant.
Genome position (GRCh38, 1-based): chr17:5,541,923, G>A on the plus strand (C>T on the coding strand, the complement: NLRP1 is on the minus strand). VCF-style: chr17-5541923-G-A. GRCh37 (hg19) VCF-style: chr17-5445243-G-A.
Other names: p.Thr878Met; c.2633C>T, p.Thr878Met (NM_001033053.3, NM_014922.5, NM_033006.4 and 1 more transcripts); short protein forms T878M.
Identifiers: ClinVar variation 1165408 (VCV001165408.15), dbSNP rs11657747, ClinGen allele CA8327111.

ClinVar aggregate classification (germline): Benign/Likely benign. Review status: criteria provided, multiple submitters, no conflicts (2 of 4 stars). 6 submissions from 6 submitters: Benign (4); Likely benign (2). Last evaluated 2026-02-04.

Allele frequency attached by ClinVar (database versions not stated): 1000 Genomes Project 0.03494; 1000 Genomes Project 30x 0.03560; gnomAD exomes 0.04225 and 0.04609; ExAC 0.04417; TOPMed 0.04593; gnomAD 0.04714 and 0.04881; ESP Exome Variant Server 0.05028.
gnomAD v4.1: 74,639 of 1,613,886 alleles (4.6%); highest among the groups gnomAD compares: Middle Eastern, 7.7%; 1,937 homozygotes.

Submissions (6):

Labcorp Genetics (formerly Invitae), Labcorp
Classification: Benign. Last evaluated: 2026-02-04. Review status: criteria provided, single submitter. Criteria: Invitae Variant Classification Sherloc (09022015). Collection method: clinical testing. Allele origin: germline.

Women's Health and Genetics/Laboratory Corporation of America, LabCorp
Classification: Likely benign. Last evaluated: 2026-01-21. Review status: criteria provided, single submitter. Criteria: LabCorp Variant Classification Summary - May 2015. Collection method: clinical testing. Allele origin: germline.

Blueprint Genetics
Classification: Likely benign. Last evaluated: 2024-11-26. Review status: criteria provided, single submitter. Criteria: ACMG Guidelines, 2015. Collection method: clinical testing. Allele origin: germline.

Mayo Clinic Laboratories, Mayo Clinic
Classification: Benign. Last evaluated: 2023-08-10. Review status: criteria provided, single submitter. Criteria: ACMG Guidelines, 2015. Collection method: clinical testing. Allele origin: germline. Observed: 35 variant alleles.
Comment: BA1, BS2, BP4

GeneDx
Classification: Benign. Last evaluated: 2018-08-08. Review status: criteria provided, single submitter. Criteria: GeneDx Variant Classification Process June 2021. Collection method: clinical testing. Allele origin: germline. Affected: yes.
Comment: This variant is associated with the following publications: (PMID: 21946017)

Breakthrough Genomics
Classification: Benign. Review status: criteria provided, single submitter. Criteria: ACMG Guidelines, 2015. Collection method: not provided. Allele origin: germline. Inheritance: Autosomal recessive inheritance. Affected: yes.